The following is an entry in ClinVar:

ClinVar aggregate classification (germline): Uncertain significance. Review status: criteria provided, multiple submitters, no conflicts (2 of 4 stars). 2 submissions from 2 submitters: Uncertain significance (2). Last evaluated 2025-10-02.

Conditions:
Inborn genetic diseases. Identifiers: MedGen C0950123, MeSH D030342.

Allele frequency attached by ClinVar (database versions not stated): gnomAD exomes below 0.00001.
gnomAD v4.1: 3 of 1,608,678 alleles (0.00019%); highest among the groups gnomAD compares: Non-Finnish European, 0.00025%; no homozygotes.

Submissions (2):

Ambry Genetics
Classification: Uncertain significance for Inborn genetic diseases. Last evaluated: 2025-10-02. Review status: criteria provided, single submitter. Criteria: Ambry Variant Classification Scheme 2023. Collection method: clinical testing. Allele origin: germline.

Labcorp Genetics (formerly Invitae), Labcorp
Classification: Uncertain significance. Last evaluated: 2022-07-26. Review status: criteria provided, single submitter. Criteria: Invitae Variant Classification Sherloc (09022015). Collection method: clinical testing. Allele origin: germline.
Comment: This sequence change replaces alanine, which is neutral and non-polar, with threonine, which is neutral and polar, at codon 287 of the MYO18B protein (p.Ala287Thr). The frequency data for this variant in the population databases is considered unreliable, as metrics indicate poor data quality at this position in the gnomAD database. This variant has not been reported in the literature in individuals affected with MYO18B-related conditions. ClinVar contains an entry for this variant (Variation ID: 1427751). Algorithms developed to predict the effect of missense changes on protein structure and function are either unavailable or do not agree on the potential impact of this missense change (SIFT: "Not Available"; PolyPhen-2: "Benign"; Align-GVGD: "Not Available"). In summary, the available evidence is currently insufficient to determine the role of this variant in disease. Therefore, it has been classified as a Variant of Uncertain Significance.

NM_032608.7(MYO18B):c.859G>A (p.Ala287Thr)

Gene: MYO18B (myosin XVIIIB; plus strand). Cytogenetic location: 22q12.1.
Variant type: single nucleotide variant.
Coding change: c.859G>A on transcript NM_032608.7 (MANE Select); coding-DNA position 859, G replaced by A.
Protein change: p.Ala287Thr; replaces alanine 287 with threonine.
Molecular consequence: missense variant.
Genome position (GRCh38, 1-based): chr22:25,768,775, G>A. VCF-style: chr22-25768775-G-A. GRCh37 (hg19) VCF-style: chr22-26164742-G-A.
Other names: c.859G>A (NM_032608.5); c.859G>A, p.Ala287Thr (NM_001318245.2); short protein forms A287T.
Identifiers: ClinVar variation 1427751 (VCV001427751.4), dbSNP rs1174216287, ClinGen allele CA411003606.